The following is an entry in ClinVar:

NM_005993.5(TBCD):c.2479C>G (p.Gln827Glu)

Gene: TBCD (tubulin folding cofactor D). Cytogenetic location: 17q25.3.
Variant type: single nucleotide variant.
Coding change: c.2479C>G on transcript NM_005993.5 (MANE Select); coding-DNA position 2479, C replaced by G.
Protein change: p.Gln827Glu; replaces glutamine 827 with glutamic acid.
Molecular consequence: missense variant.
Genome position (GRCh38, 1-based): chr17:82,927,193, C>G. VCF-style: chr17-82927193-C-G. GRCh37 (hg19) VCF-style: chr17-80885069-C-G.
Other names: short protein forms Q827E.
Identifiers: ClinVar variation 1497728 (VCV001497728.3), dbSNP rs767474574, ClinGen allele CA8863092.

ClinVar aggregate classification (germline): Uncertain significance (1 of 4 stars; one submission).

Allele frequency attached by ClinVar (database versions not stated): gnomAD exomes below 0.00001; ExAC 0.00001; gnomAD 0.00001; TOPMed 0.00001.
gnomAD v4.1: 4 of 1,613,642 alleles (0.00025%); highest among the groups gnomAD compares: East Asian, 0.0022%; no homozygotes.

Submission:

Labcorp Genetics (formerly Invitae), Labcorp
Classification: Uncertain significance. Last evaluated: 2021-10-18. Review status: criteria provided, single submitter. Criteria: Invitae Variant Classification Sherloc (09022015). Collection method: clinical testing. Allele origin: germline.
Comment: This sequence change replaces glutamine with glutamic acid at codon 827 of the TBCD protein (p.Gln827Glu). The glutamine residue is moderately conserved and there is a small physicochemical difference between glutamine and glutamic acid. This variant is present in population databases (rs767474574, ExAC 0.01%). This variant has not been reported in the literature in individuals affected with TBCD-related conditions. Algorithms developed to predict the effect of missense changes on protein structure and function (SIFT, PolyPhen-2, Align-GVGD) all suggest that this variant is likely to be tolerated. In summary, the available evidence is currently insufficient to determine the role of this variant in disease. Therefore, it has been classified as a Variant of Uncertain Significance.